The following is an entry in ClinVar:

NM_006642.5(SDCCAG8):c.-4G>T

Gene: SDCCAG8 (SHH signaling and ciliogenesis regulator SDCCAG8; plus strand). Cytogenetic location: 1q43.
Variant type: single nucleotide variant.
Coding change: c.-4G>T on transcript NM_006642.5 (MANE Select); 4 bases upstream of the start codon, G replaced by T.
Molecular consequence: 5 prime UTR variant.
Genome position (GRCh38, 1-based): chr1:243,256,170, G>T. VCF-style: chr1-243256170-G-T. GRCh37 (hg19) VCF-style: chr1-243419472-G-T.
Other names: c.-1116G>T (NM_001350246.2); c.-1004G>T (NM_001350247.2); c.-4G>T (NM_001350248.2); c.-311G>T (NM_001350249.2); c.-1377G>T (NM_001350251.2).
Identifiers: ClinVar variation 5001116 (VCV005001116.1).

ClinVar aggregate classification (germline): Likely benign (1 of 4 stars; one submission).

Conditions:
SDCCAG8-related disorder. Also called: SDCCAG8-Related Disorders; SDCCAG8-related condition.

gnomAD v4.1: 1 of 1,613,740 alleles (0.000062%); highest among the groups gnomAD compares: African/African-American, 0.0013%; no homozygotes.

Submission:

PreventionGenetics, part of Exact Sciences
Classification: Likely benign for SDCCAG8-related condition. Last evaluated: 2025-08-12. Review status: criteria provided, single submitter. Criteria: ACMG Guidelines, 2015. Collection method: clinical testing. Allele origin: germline.
Comment: This variant is classified as likely benign based on ACMG/AMP sequence variant interpretation guidelines (Richards et al. 2015 PMID: 25741868, with internal and published modifications).